The following is an entry in ClinVar:

ClinVar aggregate classification (germline): Uncertain significance (1 of 4 stars; one submission).

gnomAD v4.1: 4 of 1,436,318 alleles (0.00028%); highest among the groups gnomAD compares: Non-Finnish European, 0.00018%; no homozygotes.

Submission:

Labcorp Genetics (formerly Invitae), Labcorp
Classification: Uncertain significance. Last evaluated: 2022-01-06. Review status: criteria provided, single submitter. Criteria: Invitae Variant Classification Sherloc (09022015). Collection method: clinical testing. Allele origin: germline.
Comment: In summary, the available evidence is currently insufficient to determine the role of this variant in disease. Therefore, it has been classified as a Variant of Uncertain Significance. Algorithms developed to predict the effect of missense changes on protein structure and function are either unavailable or do not agree on the potential impact of this missense change (SIFT: "Deleterious"; PolyPhen-2: "Not Available"; Align-GVGD: "Class C0"). This variant has not been reported in the literature in individuals affected with RETREG1-related conditions. This variant is not present in population databases (gnomAD no frequency). This sequence change replaces proline, which is neutral and non-polar, with threonine, which is neutral and polar, at codon 6 of the RETREG1 protein (p.Pro6Thr).

NM_001034850.3(RETREG1):c.16C>A (p.Pro6Thr)

Genes: RETREG1 (reticulophagy regulator 1; minus strand), RETREG1-AS1 (RETREG1 antisense RNA 1; plus strand), LOC129993734 (ATAC-STARR-seq lymphoblastoid silent region 15947; plus strand). Cytogenetic location: 5p15.1.
Variant type: single nucleotide variant.
Coding change: c.16C>A on transcript NM_001034850.3 (MANE Select); coding-DNA position 16, C replaced by A.
Protein change: p.Pro6Thr; replaces proline 6 with threonine.
Molecular consequence: missense variant.
Genome position (GRCh38, 1-based): chr5:16,616,956, G>T on the plus strand (C>A on the coding strand, the complement: RETREG1 is on the minus strand). VCF-style: chr5-16616956-G-T. GRCh37 (hg19) VCF-style: chr5-16617065-G-T.
Other names: short protein forms P6T.
Identifiers: ClinVar variation 1394963 (VCV001394963.4), dbSNP rs779538816, ClinGen allele CA359293199.